The following is an entry in ClinVar:

ClinVar aggregate classification (germline): Uncertain significance (1 of 4 stars; one submission).

Conditions:
Charcot-Marie-Tooth disease type 4. Also called: Charcot-Marie-Tooth disease, type IV; Charcot-Marie-Tooth, Type 4. Identifiers: Orphanet 64749, MedGen C4082197, MONDO:0018995.

Allele frequency attached by ClinVar (database versions not stated): gnomAD exomes below 0.00001 and 0.00001.
gnomAD v4.1: 4 of 1,614,164 alleles (0.00025%); highest among the groups gnomAD compares: Admixed American, 0.0017%; no homozygotes.

Submission:

Labcorp Genetics (formerly Invitae), Labcorp
Classification: Uncertain significance for Charcot-Marie-Tooth disease type 4. Last evaluated: 2021-09-25. Review status: criteria provided, single submitter. Criteria: Invitae Variant Classification Sherloc (09022015). Collection method: clinical testing. Allele origin: germline.
Comment: This sequence change replaces glutamic acid with aspartic acid at codon 461 of the SH3TC2 protein (p.Glu461Asp). The glutamic acid residue is highly conserved and there is a small physicochemical difference between glutamic acid and aspartic acid. This variant is not present in population databases (ExAC no frequency). In summary, the available evidence is currently insufficient to determine the role of this variant in disease. Therefore, it has been classified as a Variant of Uncertain Significance. Advanced modeling of protein sequence and biophysical properties (such as structural, functional, and spatial information, amino acid conservation, physicochemical variation, residue mobility, and thermodynamic stability) performed at Invitae indicates that this missense variant is not expected to disrupt SH3TC2 protein function. This variant has not been reported in the literature in individuals affected with SH3TC2-related conditions.

NM_024577.4(SH3TC2):c.1383G>T (p.Glu461Asp)

Gene: SH3TC2 (SH3 domain and tetratricopeptide repeats 2; minus strand). Cytogenetic location: 5q32.
Variant type: single nucleotide variant.
Coding change: c.1383G>T on transcript NM_024577.4 (MANE Select); coding-DNA position 1383, G replaced by T.
Protein change: p.Glu461Asp; replaces glutamic acid 461 with aspartic acid.
Molecular consequence: missense variant.
Genome position (GRCh38, 1-based): chr5:149,028,349, C>A on the plus strand (G>T on the coding strand, the complement: SH3TC2 is on the minus strand). VCF-style: chr5-149028349-C-A. GRCh37 (hg19) VCF-style: chr5-148407912-C-A.
Other names: short protein forms E461D.
Identifiers: ClinVar variation 1362732 (VCV001362732.5), dbSNP rs1326032447, ClinGen allele CA361668957.
Genomic context (GRCh38, chr5:149,028,349, plus strand): 5'-GTCAGCATAACCCTCATGATCCAGAAAAGCCAATATGGGGGCGAAGTTCTCAGCCTCCTC[C>A]TCCTGACCAGTGCTTAGGTCCATGAGCAGTTCCGGGTCATCAAGGTCATCAGGCTCCGGC-3'
Protein context (NP_078853.2, residues 451-471): ELLMDLSTGQ[Glu461Asp]EEAENFAPIL